The following is an entry in ClinVar:

ClinVar aggregate classification (germline): Uncertain significance (1 of 4 stars; one submission).

Submission:

Labcorp Genetics (formerly Invitae), Labcorp
Classification: Uncertain significance. Last evaluated: 2025-12-22. Review status: criteria provided, single submitter. Criteria: Invitae Variant Classification Sherloc (09022015). Collection method: clinical testing. Allele origin: germline.
Comment: This sequence change replaces glycine, which is neutral and non-polar, with alanine, which is neutral and non-polar, at codon 135 of the HOXB13 protein (p.Gly135Ala). This variant is not present in population databases (gnomAD no frequency). This variant has not been reported in the literature in individuals affected with HOXB13-related conditions. ClinVar contains an entry for this variant (Variation ID: 1051175). Invitae Evidence Modeling of protein sequence and biophysical properties (such as structural, functional, and spatial information, amino acid conservation, physicochemical variation, residue mobility, and thermodynamic stability) indicates that this missense variant is not expected to disrupt HOXB13 protein function with a negative predictive value of 80%. In summary, the available evidence is currently insufficient to determine the role of this variant in disease. Therefore, it has been classified as a Variant of Uncertain Significance.

NM_006361.6(HOXB13):c.404G>C (p.Gly135Ala)

Gene: HOXB13 (homeobox B13; minus strand). Cytogenetic location: 17q21.32.
Variant type: single nucleotide variant.
Coding change: c.404G>C on transcript NM_006361.6 (MANE Select); coding-DNA position 404, G replaced by C.
Protein change: p.Gly135Ala; replaces glycine 135 with alanine.
Molecular consequence: missense variant.
Genome position (GRCh38, 1-based): chr17:48,728,190, C>G on the plus strand (G>C on the coding strand, the complement: HOXB13 is on the minus strand). VCF-style: chr17-48728190-C-G. GRCh37 (hg19) VCF-style: chr17-46805552-C-G.
Other names: short protein forms G135A.
Identifiers: ClinVar variation 1051175 (VCV001051175.10), dbSNP rs769634543, ClinGen allele CA400107526.
Genomic context (GRCh38, chr17:48,728,190, plus strand): 5'-GGAGCACCCAGAGTCTGCACCACAGACACGTCCAGGTAACTGGCCATAGGCTGGTAGGTT[C>G]CCGGATATCCCGGATAGAAGGCAAACTCAGTGGGGCGGCTGGGGTACTCTTCCCCGGCCG-3'
Protein context (NP_006352.2, residues 125-145): TEFAFYPGYP[Gly135Ala]TYQPMASYLD